The following is an entry in ClinVar:

ClinVar aggregate classification (germline): Uncertain significance (1 of 4 stars; one submission).

gnomAD v4.1: 1 of 1,613,398 alleles (0.000062%); highest among the groups gnomAD compares: Admixed American, 0.0017%; no homozygotes.

Submission:

Labcorp Genetics (formerly Invitae), Labcorp
Classification: Uncertain significance. Last evaluated: 2024-05-31. Review status: criteria provided, single submitter. Criteria: Invitae Variant Classification Sherloc (09022015). Collection method: clinical testing. Allele origin: germline.
Comment: This sequence change replaces aspartic acid, which is acidic and polar, with asparagine, which is neutral and polar, at codon 1828 of the SORL1 protein (p.Asp1828Asn). This variant is present in population databases (no rsID available, gnomAD 0.003%). This variant has not been reported in the literature in individuals affected with SORL1-related conditions. An algorithm developed to predict the effect of missense changes on protein structure and function (PolyPhen-2) suggests that this variant is likely to be disruptive. In summary, the available evidence is currently insufficient to determine the role of this variant in disease. Therefore, it has been classified as a Variant of Uncertain Significance.

NM_003105.6(SORL1):c.5482G>A (p.Asp1828Asn)

Gene: SORL1 (sortilin related receptor 1; plus strand). Cytogenetic location: 11q24.1.
Variant type: single nucleotide variant.
Coding change: c.5482G>A on transcript NM_003105.6 (MANE Select); coding-DNA position 5482, G replaced by A.
Protein change: p.Asp1828Asn; replaces aspartic acid 1828 with asparagine.
Molecular consequence: missense variant.
Genome position (GRCh38, 1-based): chr11:121,614,933, G>A. VCF-style: chr11-121614933-G-A. GRCh37 (hg19) VCF-style: chr11-121485642-G-A.
Other names: short protein forms D1828N.
Identifiers: ClinVar variation 3696734 (VCV003696734.2).